The following is an entry in ClinVar:

ClinVar aggregate classification (germline): Conflicting classifications of pathogenicity. Review status: criteria provided, conflicting classifications (1 of 4 stars). 6 submissions from 6 submitters: Uncertain significance (3); Likely benign (3). Last evaluated 2026-06-01.

Conditions:
Autosomal recessive proximal renal tubular acidosis (PRTAO). Also called: RTA, PROXIMAL, AUTOSOMAL RECESSIVE; RENAL TUBULAR ACIDOSIS, PROXIMAL, WITH OCULAR ABNORMALITIES AND MENTAL RETARDATION; RENAL TUBULAR ACIDOSIS, PROXIMAL, WITH OCULAR ABNORMALITIES AND IMPAIRED INTELLECTUAL DEVELOPMENT; PROXIMAL RENAL TUBULAR ACIDOSIS-OCULAR ANOMALY SYNDROME. Identifiers: Orphanet 93607, MedGen C1970309, MONDO:0011422, OMIM 604278.

Allele frequency attached by ClinVar (database versions not stated): 1000 Genomes Project 30x 0.00109; 1000 Genomes Project 0.00140; ExAC 0.00157; gnomAD exomes 0.00157 and 0.00269; gnomAD 0.00175 and 0.00180; TOPMed 0.00184; ESP Exome Variant Server 0.00206.
gnomAD v4.1: 4,181 of 1,613,320 alleles (0.26%); highest among the groups gnomAD compares: Non-Finnish European, 0.33%; 8 homozygotes.

Submissions (6):

CeGaT Center for Human Genetics Tuebingen
Classification: Likely benign. Last evaluated: 2026-06-01. Review status: criteria provided, single submitter. Criteria: CeGaT Center For Human Genetics Tuebingen Variant Classification Criteria Version 2. Collection method: clinical testing. Allele origin: germline. Affected: yes. Observed: 2 variant alleles.
Comment: SLC4A4: BS2

Mayo Clinic Laboratories, Mayo Clinic
Classification: Likely benign. Last evaluated: 2025-06-26. Review status: criteria provided, single submitter. Criteria: ACMG Guidelines, 2015. Collection method: clinical testing. Allele origin: germline. Observed: 2 variant alleles.
Comment: BS1, BS2, BP4

Blueprint Genetics
Classification: Likely benign. Last evaluated: 2024-11-04. Review status: criteria provided, single submitter. Criteria: ACMG Guidelines, 2015. Collection method: clinical testing. Allele origin: germline.

Department of Pathology and Laboratory Medicine, Sinai Health System
Classification: Uncertain significance for Autosomal recessive proximal renal tubular acidosis. Last evaluated: 2023-01-31. Review status: criteria provided, single submitter. Criteria: ACMG Guidelines, 2015. Collection method: research. Allele origin: germline.

Mendelics
Classification: Uncertain significance. Last evaluated: 2022-05-04. Review status: criteria provided, single submitter. Criteria: Mendelics Assertion Criteria 2019. Collection method: clinical testing. Allele origin: germline.

Breakthrough Genomics
Classification: Uncertain significance. Review status: criteria provided, single submitter. Criteria: ACMG Guidelines, 2015. Collection method: not provided. Allele origin: germline. Inheritance: Autosomal recessive inheritance. Affected: yes.

Literature cited by the submitters: PubMed 35368817 (cited by Mayo Clinic Laboratories, Mayo Clinic); PubMed 37895187 (cited by Mayo Clinic Laboratories, Mayo Clinic).

NM_001098484.3(SLC4A4):c.149G>C (p.Gly50Ala)

Gene: SLC4A4 (solute carrier family 4 member 4; plus strand). Cytogenetic location: 4q13.3.
Variant type: single nucleotide variant.
Coding change: c.149G>C on transcript NM_001098484.3 (MANE Select); coding-DNA position 149, G replaced by C.
Protein change: p.Gly50Ala; replaces glycine 50 with alanine.
Molecular consequence: missense variant.
Genome position (GRCh38, 1-based): chr4:71,255,295, G>C. VCF-style: chr4-71255295-G-C. GRCh37 (hg19) VCF-style: chr4-72121012-G-C.
Other names: p.Gly50Ala; c.149G>C, p.Gly50Ala (NM_001134742.2); short protein forms G50A.
Identifiers: ClinVar variation 1685128 (VCV001685128.19), dbSNP rs41265669, ClinGen allele CA2954472.
Genomic context (GRCh38, chr4:71,255,295, plus strand): 5'-ACATCGGAGTCCATGTGCCGAAGAGTTACAGGAGAAGGAGACGTCACAAGAGAAAGACAG[G>C]GCACAAAGAAAAGAAGGAAAAGGAGAGAATCTCTGAGAACTACTCTGACAAATCAGATAT-3'
Protein context (NP_001091954.1, residues 40-60): RRRRRHKRKT[Gly50Ala]HKEKKEKERI